The following is an entry in ClinVar:

ClinVar aggregate classification (germline): Pathogenic (0 of 4 stars; one submission).

Conditions:
SSR4-congenital disorder of glycosylation. Also called: CDG IY; Congenital disorder of glycosylation type 1y; SSR4-CDG. Identifiers: Orphanet 370927, MedGen C4012395, MONDO:0010490, OMIM 300934.

Submission:

Pediatric Neurology and Rare Diseases Department, Hospital Sant Joan de Deu
Classification: Pathogenic for SSR4-congenital disorder of glycosylation. Last evaluated: 2020-11-10. Review status: no assertion criteria provided. Collection method: clinical testing. Allele origin: de novo. Inheritance: X-linked inheritance. Affected: yes. Observed: 1 variant allele, 3 hemizygotes. Clinical features observed: Moderate global developmental delay (HP:0011343), Joint dislocation (HP:0001373), Feeding difficulties (HP:0011968).
Comment: Deletions including this gene have been reported by Ng et al 2015, Human Mutation (DOI: 10.1002/humu.22856)

Literature cited by the submitters: DOI 10.1002/humu.22856.

Single allele

Genes: IDH3G (isocitrate dehydrogenase (NAD(+)) 3 non-catalytic subunit gamma; minus strand), PLXNB3 (plexin B3; plus strand), SRPK3 (SRSF protein kinase 3; plus strand), SSR4 (signal sequence receptor subunit 4; plus strand). Cytogenetic location: Xq28.
Variant type: Deletion.
Identifiers: ClinVar variation 987741 (VCV000987741.2).